The following is an entry in ClinVar:

ClinVar aggregate classification (germline): Uncertain significance (1 of 4 stars; one submission).

gnomAD v4.1: 1 of 1,614,028 alleles (0.000062%); highest among the groups gnomAD compares: Non-Finnish European, 0.000085%; no homozygotes.

Submission:

Labcorp Genetics (formerly Invitae), Labcorp
Classification: Uncertain significance. Last evaluated: 2025-12-29. Review status: criteria provided, single submitter. Criteria: Invitae Variant Classification Sherloc (09022015). Collection method: clinical testing. Allele origin: germline.
Comment: This sequence change replaces serine, which is neutral and polar, with arginine, which is basic and polar, at codon 871 of the EFL1 protein (p.Ser871Arg). This variant is not present in population databases (gnomAD no frequency). This variant has not been reported in the literature in individuals affected with EFL1-related conditions. Invitae Evidence Modeling of protein sequence and biophysical properties (such as structural, functional, and spatial information, amino acid conservation, physicochemical variation, residue mobility, and thermodynamic stability) indicates that this missense variant is not expected to disrupt EFL1 protein function with a negative predictive value of 80%. In summary, the available evidence is currently insufficient to determine the role of this variant in disease. Therefore, it has been classified as a Variant of Uncertain Significance.

NM_024580.6(EFL1):c.2613T>G (p.Ser871Arg)

Gene: EFL1 (elongation factor like GTPase 1; minus strand). Cytogenetic location: 15q25.2.
Variant type: single nucleotide variant.
Coding change: c.2613T>G on transcript NM_024580.6 (MANE Select); coding-DNA position 2613, T replaced by G.
Protein change: p.Ser871Arg; replaces serine 871 with arginine.
Molecular consequence: missense variant. On other transcripts: non-coding transcript variant (1).
Genome position (GRCh38, 1-based): chr15:82,151,841, A>C on the plus strand (T>G on the coding strand, the complement: EFL1 is on the minus strand). VCF-style: chr15-82151841-A-C. GRCh37 (hg19) VCF-style: chr15-82444182-A-C.
Other names: c.2460T>G, p.Ser820Arg (NM_001040610.3); c.1824T>G, p.Ser608Arg (NM_001322844.2); c.2613T>G, p.Ser871Arg (NM_001322845.2); short protein forms S608R, S820R, S871R.
Identifiers: ClinVar variation 4773797 (VCV004773797.1).